The following is an entry in ClinVar:

ClinVar aggregate classification (germline): Conflicting classifications of pathogenicity. Review status: criteria provided, conflicting classifications (1 of 4 stars). 3 submissions from 3 submitters: Likely pathogenic (1); Uncertain significance (2). Last evaluated 2019-07-22.

Conditions:
NPHP3-related disorder. Also called: NPHP3-related disorders; NPHP3-related condition. Identifiers: MedGen CN379163.

Allele frequency attached by ClinVar (database versions not stated): gnomAD exomes below 0.00001; ExAC 0.00001; TOPMed 0.00001.
gnomAD v4.1: 3 of 1,604,392 alleles (0.00019%); highest among the groups gnomAD compares: African/African-American, 0.0013%; no homozygotes.

Submissions (3):

GeneDx
Classification: Uncertain significance. Last evaluated: 2019-07-22. Review status: criteria provided, single submitter. Criteria: GeneDx Variant Classification Process June 2021. Collection method: clinical testing. Allele origin: germline. Affected: yes.
Comment: Not observed at a significant frequency in large population cohorts (Lek et al., 2016); In silico analysis, which includes protein predictors and evolutionary conservation, supports a deleterious effect; Has not been previously published as pathogenic or benign to our knowledge

Eurofins Ntd Llc (ga)
Classification: Uncertain significance. Last evaluated: 2018-08-14. Review status: criteria provided, single submitter. Criteria: EGL ClinVar v180209 classification definitions. Collection method: clinical testing. Allele origin: germline. Observed: 1 variant allele, 1 heterozygote.

Blueprint Genetics
Classification: Likely pathogenic for NPHP3-related disorders. Last evaluated: 2018-08-02. Review status: criteria provided, single submitter. Criteria: ACMG Guidelines, 2015. Collection method: clinical testing. Allele origin: germline. Affected: yes. Observed: 1 variant allele.

NM_153240.5(NPHP3):c.985T>C (p.Cys329Arg)

Genes: NPHP3 (nephrocystin 3; minus strand), NPHP3-ACAD11 (NPHP3-ACAD11 readthrough (NMD candidate); minus strand). Cytogenetic location: 3q22.1.
Variant type: single nucleotide variant.
Coding change: c.985T>C on transcript NM_153240.5 (MANE Select); coding-DNA position 985, T replaced by C.
Protein change: p.Cys329Arg; replaces cysteine 329 with arginine.
Molecular consequence: missense variant. On other transcripts: non-coding transcript variant (1).
Genome position (GRCh38, 1-based): chr3:132,713,259, A>G on the plus strand (T>C on the coding strand, the complement: NPHP3 is on the minus strand). VCF-style: chr3-132713259-A-G. GRCh37 (hg19) VCF-style: chr3-132432103-A-G.
Other names: short protein forms C329R.
Identifiers: ClinVar variation 598391 (VCV000598391.10), dbSNP rs766285779, ClinGen allele CA2622439.
Genomic context (GRCh38, chr3:132,713,259, plus strand): 5'-ATTGATTTTCAACATCTATTGGAAAATAAACAGCATGGAAAAAATATCCCATTGTCTCGC[A>G]CATTCTCTTAAGTTTAGGTGAATAGTCCTAAAAACAAATGAAAACATACAAAAGTTTAAT-3'
Protein context (NP_694972.3, residues 319-339): KDYSPKLKRM[Cys329Arg]ETMGYFFHAV